The following is an entry in ClinVar:

NM_001267550.2(TTN):c.68328A>G (p.Thr22776=)

Genes: TTN-AS1 (TTN antisense RNA 1; plus strand), TTN (titin; minus strand), LOC126806423 (CDK7 strongly-dependent group 2 enhancer GRCh37_chr2:179443309-179444508; plus strand). Cytogenetic location: 2q31.2.
Variant type: single nucleotide variant.
Coding change: c.68328A>G on transcript NM_001267550.2 (MANE Select); coding-DNA position 68328, A replaced by G.
Protein change: p.Thr22776=; no amino-acid change (threonine 22776 retained).
Molecular consequence: synonymous variant.
Genome position (GRCh38, 1-based): chr2:178,578,612, T>C on the plus strand (A>G on the coding strand, the complement: TTN is on the minus strand). VCF-style: chr2-178578612-T-C. GRCh37 (hg19) VCF-style: chr2-179443339-T-C.
Other names: c.63405A>G, p.Thr21135= (NM_001256850.1); c.41133A>G, p.Thr13711= (NM_003319.4); c.60624A>G, p.Thr20208= (NM_133378.4); c.41508A>G, p.Thr13836= (NM_133432.3); c.41709A>G, p.Thr13903= (NM_133437.4); c.68328A>G (NM_001267550.1).
Identifiers: ClinVar variation 497814 (VCV000497814.13), dbSNP rs1553619783, ClinGen allele CA430104778.

ClinVar aggregate classification (germline): Conflicting classifications of pathogenicity. Review status: criteria provided, conflicting classifications (1 of 4 stars). 4 submissions from 4 submitters: Likely pathogenic (1); Uncertain significance (2); Likely benign (1). Last evaluated 2026-01-10.

Conditions:
Dilated cardiomyopathy 1G (CMD1G). Identifiers: Orphanet 154, MedGen C1858763, MONDO:0011400, OMIM 604145.
Autosomal recessive limb-girdle muscular dystrophy type 2J (LGMDR10). Also called: MUSCULAR DYSTROPHY, LIMB-GIRDLE, AUTOSOMAL RECESSIVE 10; Limb-girdle muscular dystrophy, type 2J. Identifiers: Orphanet 140922, MedGen C1837342, MONDO:0012127, OMIM 608807.
Cardiovascular phenotype. Identifiers: MedGen CN230736.

Allele frequency attached by ClinVar (database versions not stated): TOPMed 0.00001; gnomAD exomes below 0.00001.
gnomAD v4.1: 5 of 1,607,498 alleles (0.00031%); highest among the groups gnomAD compares: Non-Finnish European, 0.00034%; no homozygotes.

Submissions (4):

Labcorp Genetics (formerly Invitae), Labcorp
Classification: Uncertain significance for Dilated cardiomyopathy 1G; Autosomal recessive limb-girdle muscular dystrophy type 2J. Last evaluated: 2026-01-10. Review status: criteria provided, single submitter. Criteria: Invitae Variant Classification Sherloc (09022015). Collection method: clinical testing. Allele origin: germline.
Comment: This sequence change affects codon 22776 of the TTN mRNA. It is a 'silent' change, meaning that it does not change the encoded amino acid sequence of the TTN protein. It affects a nucleotide within the consensus splice site. This variant is not present in population databases (gnomAD no frequency). This variant has been observed in individual(s) with clinical features of dilated cardiomyopathy (PMID: 22335739). ClinVar contains an entry for this variant (Variation ID: 497814). Algorithms developed to predict the effect of sequence changes on RNA splicing suggest that this variant may disrupt the consensus splice site. This variant is located in the A band of TTN (PMID: 25589632). Variants in this region may be relevant for cardiac or neuromuscular disorders (PMID: 25589632, 23975875). In summary, the available evidence is currently insufficient to determine the role of this variant in disease. Therefore, it has been classified as a Variant of Uncertain Significance.

Ambry Genetics
Classification: Likely benign for Cardiovascular phenotype. Last evaluated: 2025-12-10. Review status: criteria provided, single submitter. Criteria: Ambry Variant Classification Scheme 2023. Collection method: clinical testing. Allele origin: germline.

GeneDx
Classification: Uncertain significance. Last evaluated: 2024-07-02. Review status: criteria provided, single submitter. Criteria: GeneDx Variant Classification Process June 2021. Collection method: clinical testing. Allele origin: germline. Affected: yes.
Comment: Not observed at significant frequency in large population cohorts (gnomAD); In silico analysis indicates that this variant does not alter splicing; Identified in a proband with DCM in published literature (PMID: 22335739); This variant is associated with the following publications: (PMID: 22335739)

Eurofins Ntd Llc (ga)
Classification: Likely pathogenic. Last evaluated: 2016-10-25. Review status: criteria provided, single submitter. Criteria: EGL Classification Definitions 2015. Collection method: clinical testing. Allele origin: germline. Observed: 1 variant allele, 1 heterozygote.

Literature cited by the submitters: PubMed 22335739 (cited by Labcorp Genetics (formerly Invitae), Labcorp); PubMed 25589632 (cited by Labcorp Genetics (formerly Invitae), Labcorp); PubMed 23975875 (cited by Labcorp Genetics (formerly Invitae), Labcorp).